The following is an entry in ClinVar:

ClinVar aggregate classification (germline): Uncertain significance (1 of 4 stars; one submission).

Conditions:
Infantile spasms. Also called: Infantile spasm. Identifiers: MedGen C3887898, HP:0012469.

Allele frequency attached by ClinVar (database versions not stated): 1000 Genomes Project 30x 0.00031; 1000 Genomes Project 0.00040.
gnomAD v4.1: 47 of 1,614,174 alleles (0.0029%); highest among the groups gnomAD compares: East Asian, 0.1%; 1 homozygote.

Submission:

Labcorp Genetics (formerly Invitae), Labcorp
Classification: Uncertain significance for Infantile spasms. Last evaluated: 2026-01-12. Review status: criteria provided, single submitter. Criteria: Invitae Variant Classification Sherloc (09022015). Collection method: clinical testing. Allele origin: germline.
Comment: This sequence change replaces alanine, which is neutral and non-polar, with serine, which is neutral and polar, at codon 277 of the PIK3AP1 protein (p.Ala277Ser). This variant is present in population databases (rs182619826, gnomAD 0.04%), and has an allele count higher than expected for a pathogenic variant. This variant has not been reported in the literature in individuals affected with PIK3AP1-related conditions. ClinVar contains an entry for this variant (Variation ID: 1517493). An algorithm developed to predict the effect of missense changes on protein structure and function (PolyPhen-2) suggests that this variant is likely to be disruptive. In summary, the available evidence is currently insufficient to determine the role of this variant in disease. Therefore, it has been classified as a Variant of Uncertain Significance.

NM_152309.3(PIK3AP1):c.829G>T (p.Ala277Ser)

Gene: PIK3AP1 (phosphoinositide-3-kinase adaptor protein 1; minus strand). Cytogenetic location: 10q24.1.
Variant type: single nucleotide variant.
Coding change: c.829G>T on transcript NM_152309.3 (MANE Select); coding-DNA position 829, G replaced by T.
Protein change: p.Ala277Ser; replaces alanine 277 with serine.
Molecular consequence: missense variant.
Genome position (GRCh38, 1-based): chr10:96,651,535, C>A on the plus strand (G>T on the coding strand, the complement: PIK3AP1 is on the minus strand). VCF-style: chr10-96651535-C-A. GRCh37 (hg19) VCF-style: chr10-98411292-C-A.
Other names: short protein forms A277S.
Identifiers: ClinVar variation 1517493 (VCV001517493.6), dbSNP rs182619826, ClinGen allele CA5626443.